The following is an entry in ClinVar:

NM_032043.3(BRIP1):c.1935G>A (p.Gln645=)

Gene: BRIP1 (BRCA1 interacting DNA helicase 1; minus strand). Cytogenetic location: 17q23.2.
Variant type: single nucleotide variant.
Coding change: c.1935G>A on transcript NM_032043.3 (MANE Select); coding-DNA position 1935, G replaced by A.
Protein change: p.Gln645=; no amino-acid change (glutamine 645 retained).
Molecular consequence: synonymous variant.
Genome position (GRCh38, 1-based): chr17:61,780,261, C>T on the plus strand (G>A on the coding strand, the complement: BRIP1 is on the minus strand). VCF-style: chr17-61780261-C-T. GRCh37 (hg19) VCF-style: chr17-59857622-C-T.
Identifiers: ClinVar variation 820377 (VCV000820377.12), dbSNP rs1254051324, ClinGen allele CA501150273.

ClinVar aggregate classification (germline): Uncertain significance. Review status: criteria provided, multiple submitters, no conflicts (2 of 4 stars). 2 submissions from 2 submitters: Uncertain significance (2). Last evaluated 2024-05-08.

Conditions:
Familial cancer of breast. Also called: Hereditary breast cancer; hereditary breast carcinoma; BREAST CANCER, FAMILIAL. Identifiers: Orphanet 227535, MedGen C0346153, MONDO:0016419, OMIM 114480. Disease mechanism: loss of function.
Fanconi anemia complementation group J. Also called: BRIP1-Related Fanconi Anemia. Identifiers: Orphanet 84, MedGen C1836860, MONDO:0012187, OMIM 609054.
Hereditary cancer-predisposing syndrome. Also called: Hereditary Cancer Syndrome; Neoplastic Syndromes, Hereditary; Hereditary neoplastic syndrome; Tumor predisposition. Identifiers: Orphanet 140162, MedGen C0027672, MeSH D009386, MONDO:0015356.

Submissions (2):

Ambry Genetics
Classification: Uncertain significance for Hereditary cancer-predisposing syndrome. Last evaluated: 2024-05-08. Review status: criteria provided, single submitter. Criteria: Ambry Variant Classification Scheme 2023. Collection method: clinical testing. Allele origin: germline.
Comment: The c.1935G>A variant (also known as p.Q645Q), located in coding exon 12 of the BRIP1 gene, results from a G to A substitution at nucleotide position 1935. This nucleotide substitution does not change the amino acid at codon 645. However, this change occurs in the last base pair of coding exon 12, which makes it likely to have some effect on normal mRNA splicing. This nucleotide position is highly conserved in available vertebrate species. In silico splice site analysis predicts that this alteration will weaken the native splice donor site; however, direct evidence is insufficient at this time (Ambry internal data). Based on the available evidence, the clinical significance of this variant remains unclear.

Labcorp Genetics (formerly Invitae), Labcorp
Classification: Uncertain significance for Familial cancer of breast; Fanconi anemia complementation group J. Last evaluated: 2023-11-05. Review status: criteria provided, single submitter. Criteria: Invitae Variant Classification Sherloc (09022015). Collection method: clinical testing. Allele origin: germline.
Comment: This sequence change affects codon 645 of the BRIP1 mRNA. It is a 'silent' change, meaning that it does not change the encoded amino acid sequence of the BRIP1 protein. This variant also falls at the last nucleotide of exon 13, which is part of the consensus splice site for this exon. This variant is not present in population databases (gnomAD no frequency). This variant has not been reported in the literature in individuals affected with BRIP1-related conditions. ClinVar contains an entry for this variant (Variation ID: 820377). Variants that disrupt the consensus splice site are a relatively common cause of aberrant splicing (PMID: 17576681, 9536098). Algorithms developed to predict the effect of sequence changes on RNA splicing suggest that this variant may disrupt the consensus splice site. In summary, the available evidence is currently insufficient to determine the role of this variant in disease. Therefore, it has been classified as a Variant of Uncertain Significance.

Literature cited by the submitters: PubMed 17576681 (cited by Labcorp Genetics (formerly Invitae), Labcorp); PubMed 9536098 (cited by Labcorp Genetics (formerly Invitae), Labcorp).